The following is an entry in ClinVar:

ClinVar aggregate classification (germline): Conflicting classifications of pathogenicity. Review status: criteria provided, conflicting classifications (1 of 4 stars). 5 submissions from 1 submitter: Uncertain significance (3); Benign (2). Last evaluated 2018-01-12.

Conditions:
Early-onset myopathy with fatal cardiomyopathy (CMYO5). Also called: CONGENITAL MYOPATHY 5 WITH CARDIOMYOPATHY; Salih Myopathy. Identifiers: Orphanet 289377, MedGen C2673677, MONDO:0012714, OMIM 611705. Disease mechanism: loss of function.
Myopathy, myofibrillar, 9, with early respiratory failure (MFM9). Also called: Myopathy, distal, with early respiratory failure, autosomal dominant; Hereditary myopathy with early respiratory failure; EDSTROM MYOPATHY; MYOPATHY, PROXIMAL, WITH EARLY RESPIRATORY MUSCLE INVOLVEMENT. Identifiers: Orphanet 178464, Orphanet 34521, MedGen C1863599, MONDO:0011362, OMIM 603689.
Autosomal recessive limb-girdle muscular dystrophy type 2J (LGMDR10). Also called: MUSCULAR DYSTROPHY, LIMB-GIRDLE, AUTOSOMAL RECESSIVE 10; Limb-girdle muscular dystrophy, type 2J. Identifiers: Orphanet 140922, MedGen C1837342, MONDO:0012127, OMIM 608807.
Tibial muscular dystrophy (TMD). Also called: Udd Distal Myopathy – Tibial Muscular Dystrophy; UDD MYOPATHY; Tibial muscular dystrophy, tardive. Identifiers: Orphanet 609, MedGen C1838244, MONDO:0010870, OMIM 600334.
Dilated cardiomyopathy 1G (CMD1G). Identifiers: Orphanet 154, MedGen C1858763, MONDO:0011400, OMIM 604145.

Allele frequency attached by ClinVar (database versions not stated): gnomAD 0.00001 and 0.00003; TOPMed 0.00001; gnomAD exomes 0.00002; ExAC 0.00003.
gnomAD v4.1: 124 of 1,605,068 alleles (0.0077%); highest among the groups gnomAD compares: East Asian, 0.27%; 1 homozygote.

Submissions (5):

Illumina Laboratory Services, Illumina
Classification: Uncertain significance for Dilated cardiomyopathy 1G. Last evaluated: 2018-01-12. Review status: criteria provided, single submitter. Criteria: ICSL Variant Classification Criteria 13 December 2019. Collection method: clinical testing. Allele origin: germline.

Illumina Laboratory Services, Illumina
Classification: Uncertain significance for Early-onset myopathy with fatal cardiomyopathy. Last evaluated: 2018-01-12. Review status: criteria provided, single submitter. Criteria: ICSL Variant Classification Criteria 13 December 2019. Collection method: clinical testing. Allele origin: germline.

Illumina Laboratory Services, Illumina
Classification: Uncertain significance for Autosomal recessive limb-girdle muscular dystrophy type 2J. Last evaluated: 2018-01-12. Review status: criteria provided, single submitter. Criteria: ICSL Variant Classification Criteria 13 December 2019. Collection method: clinical testing. Allele origin: germline.

Illumina Laboratory Services, Illumina
Classification: Benign for Myopathy, myofibrillar, 9, with early respiratory failure. Last evaluated: 2018-01-12. Review status: criteria provided, single submitter. Criteria: ICSL Variant Classification Criteria 13 December 2019. Collection method: clinical testing. Allele origin: germline.
Comment: This variant was observed in the ICSL laboratory as part of a predisposition screen in an ostensibly healthy population. It had not been previously curated by ICSL or reported in the Human Gene Mutation Database (HGMD: prior to June 1st, 2018), and was therefore a candidate for classification through an automated scoring system. Utilizing variant allele frequency, disease prevalence and penetrance estimates, and inheritance mode, an automated score was calculated to assess if this variant is too frequent to cause the disease. Based on the score and internal cut-off values, a variant classified as benign is not then subjected to further curation. The score for this variant resulted in a classification of benign for this disease.

Illumina Laboratory Services, Illumina
Classification: Benign for Tibial muscular dystrophy. Last evaluated: 2018-01-12. Review status: criteria provided, single submitter. Criteria: ICSL Variant Classification Criteria 13 December 2019. Collection method: clinical testing. Allele origin: germline.
Comment: the same text as in the submission from Illumina Laboratory Services, Illumina above.

NM_001267550.2(TTN):c.27856G>T (p.Val9286Phe)

Gene: TTN (titin; minus strand). Cytogenetic location: 2q31.2.
Variant type: single nucleotide variant.
Coding change: c.27856G>T on transcript NM_001267550.2 (MANE Select); coding-DNA position 27856, G replaced by T.
Protein change: p.Val9286Phe; replaces valine 9286 with phenylalanine.
Molecular consequence: missense variant. On other transcripts: intron variant (3).
Genome position (GRCh38, 1-based): chr2:178,711,974, C>A on the plus strand (G>T on the coding strand, the complement: TTN is on the minus strand). VCF-style: chr2-178711974-C-A. GRCh37 (hg19) VCF-style: chr2-179576701-C-A.
Other names: c.26905G>T, p.Val8969Phe (NM_001256850.1); c.24124G>T, p.Val8042Phe (NM_133378.4); c.13282+26108G>T (NM_003319.4); c.13858+26108G>T (NM_133437.4); c.13657+26108G>T (NM_133432.3); short protein forms V9286F, V8042F, V8969F.
Identifiers: ClinVar variation 332905 (VCV000332905.5), dbSNP rs777547707, ClinGen allele CA1999715.